The following is an entry in ClinVar:

ClinVar aggregate classification (germline): Pathogenic (1 of 4 stars; one submission).

Conditions:
Duchenne muscular dystrophy (DMD). Also called: MUSCULAR DYSTROPHY, PSEUDOHYPERTROPHIC PROGRESSIVE, DUCHENNE TYPE; Duchenne Muscular Dystrophy (DMD). Identifiers: Orphanet 98896, MedGen C0013264, MONDO:0010679, OMIM 310200.

Submission:

Labcorp Genetics (formerly Invitae), Labcorp
Classification: Pathogenic for Duchenne muscular dystrophy. Last evaluated: 2021-10-28. Review status: criteria provided, single submitter. Criteria: Invitae Variant Classification Sherloc (09022015). Collection method: clinical testing. Allele origin: germline.
Comment: For these reasons, this variant has been classified as Pathogenic. This variant has not been reported in the literature in individuals affected with DMD-related conditions. This variant is not present in population databases (gnomAD no frequency). This sequence change creates a premature translational stop signal (p.Leu3495*) in the DMD gene. It is expected to result in an absent or disrupted protein product. Loss-of-function variants in DMD are known to be pathogenic (PMID: 16770791, 25007885).

Literature cited by the submitters: PubMed 16770791; PubMed 25007885.

NM_004006.3(DMD):c.10482del (p.Ile3494_Leu3495insTer)

Gene: DMD (dystrophin; minus strand). Cytogenetic location: Xp21.2.
Variant type: Deletion.
Coding change: c.10482del on transcript NM_004006.3 (MANE Select); coding-DNA position 10482, one base deleted (C; older notation c.10482delC).
Protein change: p.Ile3494_Leu3495insTer.
Molecular consequence: frameshift variant. On other transcripts: intron variant (2).
Genome position (GRCh38, 1-based): chrX:31,169,514, G deleted on the plus strand (C on the coding strand, the reverse complement: DMD is on the minus strand). VCF-style (leftmost placement, unchanged base first): chrX-31169513-AG-A. GRCh37 (hg19) VCF-style: chrX-31187630-AG-A.
Other names: c.10458del, p.Ile3486_Leu3487insTer (NM_000109.4); c.10470del, p.Ile3490_Leu3491insTer (NM_004009.3); c.10113del, p.Ile3371_Leu3372insTer (NM_004010.3); c.6459del, p.Ile2153_Leu2154insTer (NM_004011.4); c.6450del, p.Ile2150_Leu2151insTer (NM_004012.4); c.3102del, p.Ile1034_Leu1035insTer (NM_004013.3, NM_004021.3); c.2295del, p.Ile765_Leu766insTer (NM_004014.3); c.1278del, p.Ile426_Leu427insTer (NM_004015.3, NM_004016.3); and 3 more.
Identifiers: ClinVar variation 1425653 (VCV001425653.6), dbSNP rs2148183611, ClinGen allele CA2573158605.